The following continues an entry in ClinVar:

NM_001009944.3(PKD1):c.6643C>T (p.Arg2215Trp)

Gene: PKD1. ClinVar aggregate classification (germline): Conflicting classifications of pathogenicity. Pathogenic (4); Likely pathogenic (12); Uncertain significance (1).

Submissions 10 to 17 of 17:

Department of Human Genetics, Hannover Medical School
Classification: Likely pathogenic for Polycystic kidney disease, adult type. Last evaluated: 2024-01-03. Review status: criteria provided, single submitter. Criteria: ACMG Guidelines, 2015. Collection method: clinical testing. Allele origin: germline. Affected: yes.

MGZ Medical Genetics Center
Classification: Likely pathogenic for Polycystic kidney disease, adult type. Last evaluated: 2022-08-01. Review status: criteria provided, single submitter. Criteria: ACMG Guidelines, 2015. Collection method: clinical testing. Allele origin: germline. Affected: yes. Observed: 1 variant allele.
Comment: ACMG criteria applied: PS4, PM2_SUP, PP4

Blueprint Genetics
Classification: Likely pathogenic for PKD1-related disorders. Last evaluated: 2022-07-12. Review status: criteria provided, single submitter. Criteria: ACMG Guidelines, 2015. Collection method: clinical testing. Allele origin: germline. Affected: yes. Observed: 3 variant alleles.

Athena Diagnostics
Classification: Likely pathogenic. Last evaluated: 2022-04-21. Review status: criteria provided, single submitter. Criteria: Athena Diagnostics Criteria. Collection method: clinical testing. Allele origin: unknown.
Comment: This variant is statistically more frequent in individuals with clinical features associated with this gene than in the general population and/or healthy controls. The frequency of this variant in the general population is consistent with pathogenicity. Computational tools predict that this variant is damaging. The variant is located in a region that is considered important for protein function and/or structure.

Fulgent Genetics
Classification: Pathogenic for Polycystic kidney disease, adult type. Last evaluated: 2021-06-30. Review status: criteria provided, single submitter. Criteria: ACMG Guidelines, 2015. Collection method: clinical testing. Allele origin: unknown.
Comment: This variant has been detected in individual(s) who were sent for testing of Renasight - kidney gene panel.

Institute of Medical Genetics and Applied Genomics, University Hospital Tübingen
Classification: Likely pathogenic. Last evaluated: 2021-02-01. Review status: criteria provided, single submitter. Criteria: ACMG Guidelines, 2015. Collection method: clinical testing. Allele origin: germline. Inheritance: Autosomal dominant inheritance. Affected: yes.

Clinical Genetics Service, Universitary Hospital 12 de Octubre
Classification: Likely pathogenic for Polycystic kidney disease, adult type. Review status: criteria provided, single submitter. Criteria: ACMG Guidelines, 2015. Collection method: clinical testing. Allele origin: germline. Affected: yes.

Juno Genomics, Hangzhou Juno Genomics, Inc
Classification: Likely pathogenic for Polycystic kidney disease, adult type. Review status: criteria provided, single submitter. Criteria: ACMG Guidelines, 2015. Collection method: clinical testing. Allele origin: germline. Affected: yes.
Comment: Absent from controls (or at extremely low frequency if recessive) in Genome Aggregation Database, Exome Sequencing Project, 1000 Genomes Project, or Exome Aggregation Consortium.;Multiple lines of computational evidence support a deleterious effect on the gene or gene product (conservation, evolutionary, splicing impact, etc).;The prevalence of the variant in affected individuals is significantly increased compared to the prevalence in controls.;Patient's phenotype or family history is highly specific for a disease with a single genetic etiology.;Co-segregation with disease in multiple affected family members in a gene definitively known to cause the disease.

Literature cited by the submitters: PubMed 23300259 (cited by 5 submitters); PubMed 23431072 (cited by 5 submitters); PubMed 30820006 (cited by Variantyx, Inc. and Athena Diagnostics); PubMed 31740684 (cited by 5 submitters); PubMed 35778421 (cited by 3 submitters); PubMed 33639313 (cited by 3 submitters); PubMed 27499327 (cited by Victorian Clinical Genetics Services, Murdoch Childrens Research Institute); PubMed 22383692 (cited by Victorian Clinical Genetics Services, Murdoch Childrens Research Institute); PubMed 27753196 (cited by Victorian Clinical Genetics Services, Murdoch Childrens Research Institute and Athena Diagnostics); PubMed 36833371 (cited by Victorian Clinical Genetics Services, Murdoch Childrens Research Institute and Ambry Genetics); PubMed 26453610 (cited by Department of Pathology and Laboratory Medicine, Sinai Health System and Ambry Genetics); PubMed 24904092 (cited by Department of Pathology and Laboratory Medicine, Sinai Health System); PubMed 30927425 (cited by Ambry Genetics); PubMed 30989420 (cited by Ambry Genetics); PubMed 37543885 (cited by Ambry Genetics).